The following is an entry in ClinVar:

NM_001077365.2(POMT1):c.908C>T (p.Ser303Phe)

Gene: POMT1 (protein O-mannosyltransferase 1; plus strand). Cytogenetic location: 9q34.13.
Variant type: single nucleotide variant.
Coding change: c.908C>T on transcript NM_001077365.2 (MANE Select); coding-DNA position 908, C replaced by T.
Protein change: p.Ser303Phe; replaces serine 303 with phenylalanine.
Molecular consequence: missense variant. On other transcripts: non-coding transcript variant (10), synonymous variant (1).
Genome position (GRCh38, 1-based): chr9:131,511,389, C>T. VCF-style: chr9-131511389-C-T. GRCh37 (hg19) VCF-style: chr9-134386776-C-T.
Other names: c.746C>T, p.Ser249Phe (NM_001077366.2, NM_001353194.2, NM_001374693.1); c.908C>T, p.Ser303Phe (NM_001136113.2, NM_001374690.1); c.557C>T, p.Ser186Phe (NM_001136114.2, NM_001353195.2, NM_001374691.1 and 1 more transcripts); c.974C>T, p.Ser325Phe (NM_001353193.2, NM_007171.4); c.818C>T, p.Ser273Phe (NM_001353196.2); c.812C>T, p.Ser271Phe (NM_001353197.2, NM_001353198.2); c.623C>T, p.Ser208Phe (NM_001353199.2); c.452C>T, p.Ser151Phe (NM_001353200.2); and 2 more; short protein forms S249F, S303F, S151F, S173F, S186F, S208F, S271F, S325F.
Identifiers: ClinVar variation 1505218 (VCV001505218.5), dbSNP rs1415622281, ClinGen allele CA375308476.

ClinVar aggregate classification (germline): Uncertain significance (1 of 4 stars; one submission).

Conditions:
Walker-Warburg congenital muscular dystrophy. Also called: Muscular dystrophy-dystroglycanopathy, type A; Walker-Warburg syndrome. Identifiers: Orphanet 899, MedGen C0265221, MONDO:0000171.
Autosomal recessive limb-girdle muscular dystrophy type 2K. Also called: MUSCULAR DYSTROPHY-DYSTROGLYCANOPATHY (LIMB-GIRDLE), TYPE C, 1; MUSCULAR DYSTROPHY, LIMB-GIRDLE, TYPE 2K. Identifiers: Orphanet 86812, MedGen C1836373, MONDO:0012248, OMIM 609308.
Muscular dystrophy-dystroglycanopathy (congenital with impaired intellectual development), type B, 1. Also called: Muscular dystrophy-dystroglycanopathy (congenital with intellectual disability), type B1; MUSCULAR DYSTROPHY, CONGENITAL, POMT1-RELATED. Identifiers: MedGen C5436962, MONDO:0013159, OMIM 613155.

Allele frequency attached by ClinVar (database versions not stated): gnomAD exomes below 0.00001; gnomAD 0.00001.
gnomAD v4.1: 3 of 1,613,878 alleles (0.00019%); highest among the groups gnomAD compares: Non-Finnish European, 0.00017%; no homozygotes.

Submission:

Labcorp Genetics (formerly Invitae), Labcorp
Classification: Uncertain significance for Muscular dystrophy-dystroglycanopathy (congenital with impaired intellectual development), type B, 1; Walker-Warburg congenital muscular dystrophy; Autosomal recessive limb-girdle muscular dystrophy type 2K. Last evaluated: 2021-08-31. Review status: criteria provided, single submitter. Criteria: Invitae Variant Classification Sherloc (09022015). Collection method: clinical testing. Allele origin: germline.
Comment: This sequence change replaces serine with phenylalanine at codon 325 of the POMT1 protein (p.Ser325Phe). The serine residue is highly conserved and there is a large physicochemical difference between serine and phenylalanine. This variant is not present in population databases (ExAC no frequency). This variant has not been reported in the literature in individuals affected with POMT1-related conditions. Algorithms developed to predict the effect of missense changes on protein structure and function (SIFT, PolyPhen-2, Align-GVGD) all suggest that this variant is likely to be disruptive. In summary, the available evidence is currently insufficient to determine the role of this variant in disease. Therefore, it has been classified as a Variant of Uncertain Significance.